The following is an entry in ClinVar:

NM_003632.3(CNTNAP1):c.2964G>A (p.Thr988=)

Gene: CNTNAP1 (contactin associated protein 1; plus strand). Cytogenetic location: 17q21.2.
Variant type: single nucleotide variant.
Coding change: c.2964G>A on transcript NM_003632.3 (MANE Select); coding-DNA position 2964, G replaced by A.
Protein change: p.Thr988=; no amino-acid change (threonine 988 retained).
Molecular consequence: synonymous variant.
Genome position (GRCh38, 1-based): chr17:42,693,508, G>A. VCF-style: chr17-42693508-G-A. GRCh37 (hg19) VCF-style: chr17-40845526-G-A.
Identifiers: ClinVar variation 799455 (VCV000799455.10), dbSNP rs182868996, ClinGen allele CA8582199.
Genomic context (GRCh38, chr17:42,693,508, plus strand): 5'-TTTCCATGGAGGCCGCTGCGTGGAGCGCTATAGCTACTACACGTGTGACTGTGACCTCAC[G>A]GCTTTTGATGGGCCATACTGCAACCACGGTAAGTGCTGCTGGTTATGGGGCAACAGGGAG-3'
Protein context (NP_003623.1, residues 978-998): YSYYTCDCDL[Thr988=]AFDGPYCNHD

ClinVar aggregate classification (germline): Likely benign. Review status: criteria provided, multiple submitters, no conflicts (2 of 4 stars). 2 submissions from 2 submitters: Likely benign (2). Last evaluated 2026-05-01.

Allele frequency attached by ClinVar (database versions not stated): gnomAD 0.00005 and 0.00007; ExAC 0.00009; TOPMed 0.00009; gnomAD exomes 0.00014; 1000 Genomes Project 0.00020; 1000 Genomes Project 30x 0.00031.
gnomAD v4.1: 90 of 1,614,068 alleles (0.0056%); highest among the groups gnomAD compares: Admixed American, 0.073%; no homozygotes.

Submissions (2):

CeGaT Center for Human Genetics Tuebingen
Classification: Likely benign. Last evaluated: 2026-05-01. Review status: criteria provided, single submitter. Criteria: CeGaT Center For Human Genetics Tuebingen Variant Classification Criteria Version 2. Collection method: clinical testing. Allele origin: germline. Affected: yes. Observed: 1 variant allele.
Comment: CNTNAP1: BP4, BP7

Labcorp Genetics (formerly Invitae), Labcorp
Classification: Likely benign. Last evaluated: 2025-11-04. Review status: criteria provided, single submitter. Criteria: Invitae Variant Classification Sherloc (09022015). Collection method: clinical testing. Allele origin: germline.